The following is an entry in ClinVar:

ClinVar aggregate classification (germline): Uncertain significance. Review status: criteria provided, multiple submitters, no conflicts (2 of 4 stars). 2 submissions from 2 submitters: Uncertain significance (2). Last evaluated 2023-09-25.

Conditions:
Hereditary cancer-predisposing syndrome. Also called: Neoplastic Syndromes, Hereditary; Hereditary Cancer Syndrome; Hereditary neoplastic syndrome; Tumor predisposition. Identifiers: Orphanet 140162, MedGen C0027672, MeSH D009386, MONDO:0015356.

Submissions (2):

Ambry Genetics
Classification: Uncertain significance for Hereditary cancer-predisposing syndrome. Last evaluated: 2023-09-25. Review status: criteria provided, single submitter. Criteria: Ambry Variant Classification Scheme 2023. Collection method: clinical testing. Allele origin: germline.
Comment: The p.V618L variant (also known as c.1852G>C), located in coding exon 12 of the CTNNA1 gene, results from a G to C substitution at nucleotide position 1852. The valine at codon 618 is replaced by leucine, an amino acid with highly similar properties. This amino acid position is conserved. In addition, the in silico prediction for this alteration is inconclusive. Since supporting evidence is limited at this time, the clinical significance of this alteration remains unclear.

Labcorp Genetics (formerly Invitae), Labcorp
Classification: Uncertain significance. Last evaluated: 2019-09-25. Review status: criteria provided, single submitter. Criteria: Invitae Variant Classification Sherloc (09022015). Collection method: clinical testing. Allele origin: germline.
Comment: This sequence change replaces valine with leucine at codon 618 of the CTNNA1 protein (p.Val618Leu). The valine residue is highly conserved and there is a small physicochemical difference between valine and leucine. This variant is not present in population databases (ExAC no frequency). This variant has not been reported in the literature in individuals with CTNNA1-related conditions. Algorithms developed to predict the effect of missense changes on protein structure and function are either unavailable or do not agree on the potential impact of this missense change (SIFT: "Deleterious"; PolyPhen-2: "Benign"; Align-GVGD: "Class C0"). In summary, the available evidence is currently insufficient to determine the role of this variant in disease. Therefore, it has been classified as a Variant of Uncertain Significance.

NM_001903.5(CTNNA1):c.1852G>C (p.Val618Leu)

Gene: CTNNA1 (catenin alpha 1; plus strand). Cytogenetic location: 5q31.2.
Variant type: single nucleotide variant.
Coding change: c.1852G>C on transcript NM_001903.5 (MANE Select); coding-DNA position 1852, G replaced by C.
Protein change: p.Val618Leu; replaces valine 618 with leucine.
Molecular consequence: missense variant.
Genome position (GRCh38, 1-based): chr5:138,925,360, G>C. VCF-style: chr5-138925360-G-C. GRCh37 (hg19) VCF-style: chr5-138261049-G-C.
Other names: c.742G>C, p.Val248Leu (NM_001323996.1, NM_001323997.1, NM_001323998.1 and 17 more transcripts); c.403G>C, p.Val135Leu (NM_001324006.1, NM_001324007.1, NM_001324008.1 and 2 more transcripts); c.649G>C, p.Val217Leu (NM_001324011.1); c.499G>C, p.Val167Leu (NM_001324012.1, NM_001324013.1); c.1852G>C, p.Val618Leu (NM_001323982.2, NM_001323983.1, NM_001323984.2 and 2 more transcripts); c.1759G>C, p.Val587Leu (NM_001323986.2); c.1543G>C, p.Val515Leu (NM_001290309.3); c.1483G>C, p.Val495Leu (NM_001290310.3); short protein forms V135L, V167L, V248L, V515L, V618L, V217L, V587L, V495L.
Identifiers: ClinVar variation 934530 (VCV000934530.12), dbSNP rs1207363850, ClinGen allele CA361132345.